The following is an entry in ClinVar:

ClinVar aggregate classification (germline): Uncertain significance (1 of 4 stars; one submission).

Conditions:
Familial melanoma. Also called: Hereditary melanoma; Hereditary cutaneous melanoma. Identifiers: Orphanet 618, MedGen C1512419, MONDO:0018961.

Submission:

Labcorp Genetics (formerly Invitae), Labcorp
Classification: Uncertain significance for Familial melanoma. Last evaluated: 2022-03-22. Review status: criteria provided, single submitter. Criteria: Invitae Variant Classification Sherloc (09022015). Collection method: clinical testing. Allele origin: germline.
Comment: This variant has not been reported in the literature in individuals affected with CDK4-related conditions. In summary, the available evidence is currently insufficient to determine the role of this variant in disease. Therefore, it has been classified as a Variant of Uncertain Significance. Algorithms developed to predict the effect of missense changes on protein structure and function are either unavailable or do not agree on the potential impact of this missense change (SIFT: "Deleterious"; PolyPhen-2: "Possibly Damaging"; Align-GVGD: "Class C0"). This variant is not present in population databases (gnomAD no frequency). This sequence change replaces serine, which is neutral and polar, with glycine, which is neutral and non-polar, at codon 52 of the CDK4 protein (p.Ser52Gly).

NM_000075.4(CDK4):c.154A>G (p.Ser52Gly)

Genes: CDK4 (cyclin dependent kinase 4; minus strand), LOC130008148 (ATAC-STARR-seq lymphoblastoid silent region 4588; plus strand). Cytogenetic location: 12q14.1.
Variant type: single nucleotide variant.
Coding change: c.154A>G on transcript NM_000075.4 (MANE Select); coding-DNA position 154, A replaced by G.
Protein change: p.Ser52Gly; replaces serine 52 with glycine.
Molecular consequence: missense variant.
Genome position (GRCh38, 1-based): chr12:57,751,564, T>C on the plus strand (A>G on the coding strand, the complement: CDK4 is on the minus strand). VCF-style: chr12-57751564-T-C. GRCh37 (hg19) VCF-style: chr12-58145347-T-C.
Other names: short protein forms S52G.
Identifiers: ClinVar variation 2115767 (VCV002115767.4), dbSNP rs2140388323, ClinGen allele CA385548678.
Genomic context (GRCh38, chr12:57,751,564, plus strand): 5'-CAACATTGGGATGCTCAAAAGCCTCCAGTCGCCTCAGTAAAGCCACCTCACGAACTGTGC[T>C]GATGGGAAGGCCTCCTCCACCTCCTCCTCCATTGGGGACTCTCACACTCTTGAGGGCCAC-3'
Protein context (NP_000066.1, residues 42-62): GGGGGGGLPI[Ser52Gly]TVREVALLRR